The following is an entry in ClinVar:

NM_001071.4(TYMS):c.786C>T (p.Ile262=)

Genes: ENOSF1 (enolase superfamily member 1; minus strand), TYMS (thymidylate synthetase; plus strand). Cytogenetic location: 18p11.32.
Variant type: single nucleotide variant.
Coding change: c.786C>T on transcript NM_001071.4 (MANE Select); coding-DNA position 786, C replaced by T.
Protein change: p.Ile262=; no amino-acid change (isoleucine 262 retained).
Molecular consequence: synonymous variant. On other transcripts: 3 prime UTR variant (7), non-coding transcript variant (7).
Genome position (GRCh38, 1-based): chr18:671,433, C>T. VCF-style: chr18-671433-C-T. GRCh37 (hg19) VCF-style: chr18-671433-C-T.
Other names: c.*2872G>A (NM_001318760.2, NM_001354065.2, NM_001354066.2 and 4 more transcripts); c.684C>T, p.Ile228= (NM_001354867.2); c.537C>T, p.Ile179= (NM_001354868.2).
Identifiers: ClinVar variation 718816 (VCV000718816.4), dbSNP rs143415597, ClinGen allele CA8867940.

ClinVar aggregate classification (germline): Likely benign. Review status: criteria provided, multiple submitters, no conflicts (2 of 4 stars). 2 submissions from 2 submitters: Likely benign (2). Last evaluated 2026-07-01.

Allele frequency attached by ClinVar (database versions not stated): ESP Exome Variant Server 0.00038; 1000 Genomes Project 0.00040; TOPMed 0.00043; gnomAD 0.00045 and 0.00046; 1000 Genomes Project 30x 0.00062.
gnomAD v4.1: 425 of 1,610,292 alleles (0.026%); highest among the groups gnomAD compares: African/African-American, 0.072%; no homozygotes.

Submissions (2):

CeGaT Center for Human Genetics Tuebingen
Classification: Likely benign. Last evaluated: 2026-07-01. Review status: criteria provided, single submitter. Criteria: CeGaT Center For Human Genetics Tuebingen Variant Classification Criteria Version 2. Collection method: clinical testing. Allele origin: germline. Affected: yes. Observed: 1 variant allele.
Comment: TYMS: BP4, BP7

Labcorp Genetics (formerly Invitae), Labcorp
Classification: Likely benign. Last evaluated: 2018-06-08. Review status: criteria provided, single submitter. Criteria: Invitae Variant Classification Sherloc (09022015). Collection method: clinical testing. Allele origin: germline.